The following is an entry in ClinVar:

ClinVar aggregate classification (germline): Uncertain significance (1 of 4 stars; one submission).

Conditions:
Autosomal recessive limb-girdle muscular dystrophy type 2Y (MRRSDC). Also called: Muscular dystrophy, limb-girdle, type 2y; Muscular dystrophy, autosomal recessive, with rigid spine and distal joint contractures. Identifiers: Orphanet 424261, MedGen C4511482, MONDO:0014900, OMIM 617072.

gnomAD v4.1: 1 of 1,614,218 alleles (0.000062%); highest among the groups gnomAD compares: South Asian, 0.0011%; no homozygotes.

Submission:

Labcorp Genetics (formerly Invitae), Labcorp
Classification: Uncertain significance for Autosomal recessive limb-girdle muscular dystrophy type 2Y. Last evaluated: 2020-11-17. Review status: criteria provided, single submitter. Criteria: Invitae Variant Classification Sherloc (09022015). Collection method: clinical testing. Allele origin: germline.
Comment: This sequence change replaces glutamic acid with lysine at codon 500 of the TOR1AIP1 protein (p.Glu500Lys). The glutamic acid residue is highly conserved and there is a small physicochemical difference between glutamic acid and lysine. This variant is not present in population databases (ExAC no frequency). This variant has not been reported in the literature in individuals with TOR1AIP1-related conditions. Algorithms developed to predict the effect of missense changes on protein structure and function (SIFT, PolyPhen-2, Align-GVGD) all suggest that this variant is likely to be disruptive, but these predictions have not been confirmed by published functional studies and their clinical significance is uncertain. In summary, the available evidence is currently insufficient to determine the role of this variant in disease. Therefore, it has been classified as a Variant of Uncertain Significance.

NM_015602.4(TOR1AIP1):c.1495G>A (p.Glu499Lys)

Gene: TOR1AIP1 (torsin 1A interacting protein 1; plus strand). Cytogenetic location: 1q25.2.
Variant type: single nucleotide variant.
Coding change: c.1495G>A on transcript NM_015602.4 (MANE Select); coding-DNA position 1495, G replaced by A.
Protein change: p.Glu499Lys; replaces glutamic acid 499 with lysine.
Molecular consequence: missense variant.
Genome position (GRCh38, 1-based): chr1:179,917,982, G>A. VCF-style: chr1-179917982-G-A. GRCh37 (hg19) VCF-style: chr1-179887117-G-A.
Other names: c.1498G>A, p.Glu500Lys (NM_001267578.2); short protein forms E499K, E500K.
Identifiers: ClinVar variation 1486134 (VCV001486134.8), dbSNP rs2148484301, ClinGen allele CA343575625.
Genomic context (GRCh38, chr1:179,917,982, plus strand): 5'-CACCGCTTTGAGTCATTTCCCGCAGGCTCTACTTTGATCTTCTACAAATATTGTGACCAT[G>A]AAAACGCGGCCTTCAAAGATGTAGCCTTAGTCCTGACTGTCTTATTGGAGGAAGAGACAC-3'
Protein context (NP_056417.2, residues 489-509): TLIFYKYCDH[Glu499Lys]NAAFKDVALV